The following is an entry in ClinVar:

NC_012920.1(MT-CO1):m.6126A>G

Gene: MT-CO1 (mitochondrially encoded cytochrome c oxidase I; plus strand).
Variant type: single nucleotide variant.
Genome position: chrM-6126-A-G.
Identifiers: ClinVar variation 692622 (VCV000692622.1), dbSNP rs1556423082, ClinGen allele CA414781890.

ClinVar aggregate classification (germline): Likely benign (1 of 4 stars; one submission).

Conditions:
Leigh syndrome (NULS). Also called: Leigh's necrotizing encephalopathy; Leigh's disease; Leigh Syndrome (mtDNA deletion); Leigh Disease; Subacute necrotizing encephalopathy; Necrotizing encephalopathy infantile subacute of Leigh. Identifiers: Orphanet 506, MedGen C2931891, MONDO:0009723, OMIM 256000.

Submission:

Wong Mito Lab, Molecular and Human Genetics, Baylor College of Medicine
Classification: Likely benign for Leigh syndrome. Last evaluated: 2019-10-17. Review status: criteria provided, single submitter. Criteria: Modified ACMG Guidelines (Unpublished). Collection method: clinical testing. Allele origin: germline.
Comment: The NC_012920.1:m.6126A>G (YP_003024028.1:p.Ile75Val) variant in MTCO1 gene is interpretated to be a Likely Benign variant based on the modified ACMG guidelines (unpublished). This variant meets the following evidence codes: BS4, BP6